The following is an entry in ClinVar:

ClinVar aggregate classification (germline): Uncertain significance. Review status: criteria provided, multiple submitters, no conflicts (2 of 4 stars). 2 submissions from 2 submitters: Uncertain significance (2). Last evaluated 2024-02-02.

Submissions (2):

GeneDx
Classification: Uncertain significance. Last evaluated: 2024-02-02. Review status: criteria provided, single submitter. Criteria: GeneDx Variant Classification Process June 2021. Collection method: clinical testing. Allele origin: germline. Affected: yes.
Comment: Not observed at significant frequency in large population cohorts (gnomAD); In silico analysis supports that this missense variant has a deleterious effect on protein structure/function; Has not been previously published as pathogenic or benign to our knowledge.

Labcorp Genetics (formerly Invitae), Labcorp
Classification: Uncertain significance. Last evaluated: 2023-01-10. Review status: criteria provided, single submitter. Criteria: Invitae Variant Classification Sherloc (09022015). Collection method: clinical testing. Allele origin: germline.
Comment: This sequence change replaces asparagine, which is neutral and polar, with tyrosine, which is neutral and polar, at codon 542 of the KIF2A protein (p.Asn542Tyr). This variant is not present in population databases (gnomAD no frequency). This variant has not been reported in the literature in individuals affected with KIF2A-related conditions. Algorithms developed to predict the effect of missense changes on protein structure and function (SIFT, PolyPhen-2, Align-GVGD) all suggest that this variant is likely to be disruptive. In summary, the available evidence is currently insufficient to determine the role of this variant in disease. Therefore, it has been classified as a Variant of Uncertain Significance.

NM_001098511.3(KIF2A):c.1624A>T (p.Asn542Tyr)

Gene: KIF2A (kinesin family member 2A; plus strand). Cytogenetic location: 5q12.1.
Variant type: single nucleotide variant.
Coding change: c.1624A>T on transcript NM_001098511.3 (MANE Select); coding-DNA position 1624, A replaced by T.
Protein change: p.Asn542Tyr; replaces asparagine 542 with tyrosine.
Molecular consequence: missense variant.
Genome position (GRCh38, 1-based): chr5:62,366,459, A>T. VCF-style: chr5-62366459-A-T. GRCh37 (hg19) VCF-style: chr5-61662286-A-T.
Other names: c.1624A>T (NM_001098511.2); c.1543A>T, p.Asn515Tyr (NM_001243952.2); c.1567A>T, p.Asn523Tyr (NM_001243953.2); c.1624A>T, p.Asn542Tyr (NM_004520.5); short protein forms N515Y, N523Y, N542Y.
Identifiers: ClinVar variation 2827528 (VCV002827528.4), dbSNP rs2531365123, ClinGen allele CA359952046.
Genomic context (GRCh38, chr5:62,366,459, plus strand): 5'-TTTTTTTTCCTGTAGATTGCCACAATCTCTCCAGGAATGGCATCCTGTGAAAATACTCTT[A>T]ATACATTAAGATATGCAAATAGGTATGAGAGATAGTTCTCCATTTTGAAATTTGAGGGGA-3'
Protein context (NP_001091981.1, residues 532-552): PGMASCENTL[Asn542Tyr]TLRYANRVKE